The following is an entry in ClinVar:

ClinVar aggregate classification (germline): Uncertain significance (1 of 4 stars; one submission).

Conditions:
Duchenne muscular dystrophy (DMD). Also called: MUSCULAR DYSTROPHY, PSEUDOHYPERTROPHIC PROGRESSIVE, DUCHENNE TYPE; Duchenne Muscular Dystrophy (DMD). Identifiers: Orphanet 98896, MedGen C0013264, MONDO:0010679, OMIM 310200.

Allele frequency attached by ClinVar (database versions not stated): gnomAD exomes below 0.00001; TOPMed below 0.00001; ExAC 0.00001; gnomAD 0.00001.
gnomAD v4.1: 4 of 1,196,948 alleles (0.00033%); highest among the groups gnomAD compares: African/African-American, 0.0018%; no homozygotes.

Submission:

Labcorp Genetics (formerly Invitae), Labcorp
Classification: Uncertain significance for Duchenne muscular dystrophy. Last evaluated: 2024-03-07. Review status: criteria provided, single submitter. Criteria: Invitae Variant Classification Sherloc (09022015). Collection method: clinical testing. Allele origin: germline.
Comment: This sequence change replaces aspartic acid, which is acidic and polar, with glycine, which is neutral and non-polar, at codon 2231 of the DMD protein (p.Asp2231Gly). This variant is present in population databases (rs753677881, gnomAD 0.008%). This variant has not been reported in the literature in individuals affected with DMD-related conditions. ClinVar contains an entry for this variant (Variation ID: 2047399). Advanced modeling of protein sequence and biophysical properties (such as structural, functional, and spatial information, amino acid conservation, physicochemical variation, residue mobility, and thermodynamic stability) performed at Invitae indicates that this missense variant is not expected to disrupt DMD protein function with a negative predictive value of 95%. In summary, the available evidence is currently insufficient to determine the role of this variant in disease. Therefore, it has been classified as a Variant of Uncertain Significance.

NM_004006.3(DMD):c.6692A>G (p.Asp2231Gly)

Gene: DMD (dystrophin; minus strand). Cytogenetic location: Xp21.1.
Variant type: single nucleotide variant.
Coding change: c.6692A>G on transcript NM_004006.3 (MANE Select); coding-DNA position 6692, A replaced by G.
Protein change: p.Asp2231Gly; replaces aspartic acid 2231 with glycine.
Molecular consequence: missense variant. On other transcripts: 5 prime UTR variant (5).
Genome position (GRCh38, 1-based): chrX:31,932,150, T>C on the plus strand (A>G on the coding strand, the complement: DMD is on the minus strand). VCF-style: chrX-31932150-T-C. GRCh37 (hg19) VCF-style: chrX-31950267-T-C.
Other names: c.6668A>G, p.Asp2223Gly (NM_000109.4); c.6680A>G, p.Asp2227Gly (NM_004009.3); c.6323A>G, p.Asp2108Gly (NM_004010.3); c.2669A>G, p.Asp890Gly (NM_004011.4); c.2660A>G, p.Asp887Gly (NM_004012.4); c.-689A>G (NM_004013.3, NM_004020.4, NM_004021.3 and 2 more transcripts); short protein forms D887G, D2108G, D2227G, D2231G, D890G, D2223G.
Identifiers: ClinVar variation 2047399 (VCV002047399.4), dbSNP rs753677881, ClinGen allele CA10378416.